The following is an entry in ClinVar:

ClinVar aggregate classification (germline): Uncertain significance (1 of 4 stars; one submission).

Conditions:
EGFR-related lung cancer (EGFR). Identifiers: MedGen CN130014.

Submission:

Labcorp Genetics (formerly Invitae), Labcorp
Classification: Uncertain significance for EGFR-related lung cancer. Last evaluated: 2024-01-31. Review status: criteria provided, single submitter. Criteria: Invitae Variant Classification Sherloc (09022015). Collection method: clinical testing. Allele origin: germline.
Comment: This sequence change replaces glycine, which is neutral and non-polar, with glutamic acid, which is acidic and polar, at codon 1054 of the EGFR protein (p.Gly1054Glu). This variant is not present in population databases (gnomAD no frequency). This variant has not been reported in the literature in individuals affected with EGFR-related conditions. An algorithm developed to predict the effect of missense changes on protein structure and function (PolyPhen-2) suggests that this variant is likely to be disruptive. In summary, the available evidence is currently insufficient to determine the role of this variant in disease. Therefore, it has been classified as a Variant of Uncertain Significance.

NM_005228.5(EGFR):c.3161G>A (p.Gly1054Glu)

Gene: EGFR (epidermal growth factor receptor; plus strand). Cytogenetic location: 7p11.2.
Variant type: single nucleotide variant.
Coding change: c.3161G>A on transcript NM_005228.5 (MANE Select); coding-DNA position 3161, G replaced by A.
Protein change: p.Gly1054Glu; replaces glycine 1054 with glutamic acid.
Molecular consequence: missense variant.
Genome position (GRCh38, 1-based): chr7:55,201,781, G>A. VCF-style: chr7-55201781-G-A. GRCh37 (hg19) VCF-style: chr7-55269474-G-A.
Other names: c.3026G>A, p.Gly1009Glu (NM_001346897.2, NM_001346899.2); c.3161G>A, p.Gly1054Glu (NM_001346898.2); c.3002G>A, p.Gly1001Glu (NM_001346900.2); c.2360G>A, p.Gly787Glu (NM_001346941.2); short protein forms G1009E, G787E, G1001E, G1054E.
Identifiers: ClinVar variation 3637512 (VCV003637512.2).